The following is an entry in ClinVar:

NM_000038.6(APC):c.4633_4636del (p.Ser1545fs)

Gene: APC (APC regulator of Wnt signaling pathway; plus strand). Cytogenetic location: 5q22.2.
Variant type: Deletion.
Coding change: c.4633_4636del on transcript NM_000038.6 (MANE Select); coding-DNA positions 4633 to 4636, 4 bases deleted (TCAA; older notation c.4633_4636delTCAA).
Protein change: p.Ser1545fs; shifts the reading frame from serine 1545.
Molecular consequence: frameshift variant. On other transcripts: non-coding transcript variant (2).
Genome position (GRCh38, 1-based): chr5:112,840,227-112,840,230, TCAA deleted; deleting any 4 consecutive bases within chr5:112,840,225-112,840,230 gives the same sequence; the c. name uses the placement nearest the transcript's 3' end. VCF-style (leftmost placement, unchanged base first): chr5-112840224-GAATC-G. GRCh37 (hg19) VCF-style: chr5-112175921-GAATC-G.
Other names: c.4633_4636del, p.Ser1545fs (NM_001127510.3, NM_001354895.2, NM_001407450.1); c.4579_4582del, p.Ser1527fs (NM_001127511.3); c.4687_4690del, p.Ser1563fs (NM_001354896.2, NM_001407447.1, NM_001407448.1 and 1 more transcripts); c.4663_4666del, p.Ser1555fs (NM_001354897.2); c.4558_4561del, p.Ser1520fs (NM_001354898.2); c.4549_4552del, p.Ser1517fs (NM_001354899.2); c.4510_4513del, p.Ser1504fs (NM_001354900.2); c.4456_4459del, p.Ser1486fs (NM_001354901.2, NM_001407453.1); and 11 more; short protein forms S1161fs, S1262fs, S1385fs, S1416fs, S1419fs, S1444fs, S1454fs, S1462fs.
Identifiers: ClinVar variation 2583942 (VCV002583942.2), dbSNP rs2533587490, ClinGen allele CA2582341327.
Genomic context (GRCh38, chr5:112,840,224, plus strand): 5'-ATAATGCCTCCAGTTCAGGAAAATGACAATGGGAATGAAACAGAATCAGAGCAGCCTAAA[GAATC>G]AAATGAAAACCAAGAGAAAGAGGCAGAAAAAACTATTGATTCTGAAAAGGACCTATTAGA-3'

ClinVar aggregate classification (germline): Pathogenic (1 of 4 stars; one submission).

Conditions:
Familial adenomatous polyposis 1 (FAP1). Also called: FAMILIAL ADENOMATOUS POLYPOSIS 1, ATTENUATED; POLYPOSIS, ADENOMATOUS INTESTINAL. Identifiers: MedGen C2713442, MONDO:0021056, OMIM 175100. Disease mechanism: loss of function.

Submission:

Myriad Genetics, Inc.
Classification: Pathogenic for Familial adenomatous polyposis 1. Last evaluated: 2023-05-11. Review status: criteria provided, single submitter. Criteria: Myriad Autosomal Dominant, Autosomal Recessive and X-Linked Classification Criteria (2023). Collection method: clinical testing. Allele origin: unknown.
Comment: This variant is considered pathogenic. This variant creates a frameshift predicted to result in premature protein truncation.